The following is an entry in ClinVar:

NC_000008.10:g.(?_134107268)_(134296554_?)del

Genes: CCN4 (cellular communication network factor 4; plus strand), NDRG1 (N-myc downstream regulated 1; minus strand), SLA (Src like adaptor; minus strand), TG (thyroglobulin; plus strand). Cytogenetic location: 8q24.22.
Variant type: Deletion.
Identifiers: ClinVar variation 2425511 (VCV002425511.4).

ClinVar aggregate classification (germline): Pathogenic (1 of 4 stars; one submission).

Conditions:
Charcot-Marie-Tooth disease type 4. Also called: Charcot-Marie-Tooth disease, type IV; Charcot-Marie-Tooth, Type 4. Identifiers: Orphanet 64749, MedGen C4082197, MONDO:0018995.

Submission:

Labcorp Genetics (formerly Invitae), Labcorp
Classification: Pathogenic for Charcot-Marie-Tooth disease type 4. Last evaluated: 2022-06-22. Review status: criteria provided, single submitter. Criteria: Invitae Variant Classification Sherloc (09022015). Collection method: clinical testing. Allele origin: germline.
Comment: A gross deletion of the genomic region encompassing the full coding sequence of the NDRG1 gene has been identified. Loss-of-function variants in NDRG1 are known to be pathogenic (PMID: 12872253, 23996628). The boundaries of this event are unknown as they extend beyond the assayed region for this gene and therefore may encompass additional genes. This variant has not been reported in the literature in individuals affected with NDRG1-related conditions. For these reasons, this variant has been classified as Pathogenic.

Literature cited by the submitters: PubMed 12872253; PubMed 23996628.